The following is an entry in ClinVar:

ClinVar aggregate classification (germline): Pathogenic/Likely pathogenic. Review status: criteria provided, multiple submitters, no conflicts (2 of 4 stars). 3 submissions from 3 submitters: Pathogenic (1); Likely pathogenic (2). Last evaluated 2024-06-10.

Conditions:
Hereditary hemochromatosis (HFE). Identifiers: MedGen C0392514, MONDO:0006507. Disease mechanism: loss of function.
Hemochromatosis type 3 (HFE3). Also called: TFR2-Related Hemochromatosis; Hereditary hemochromatosis type 3; HEMOCHROMATOSIS DUE TO DEFECT IN TRANSFERRIN RECEPTOR 2. Identifiers: Orphanet 225123, MedGen C1858664, MONDO:0011417, OMIM 604250.

Allele frequency attached by ClinVar (database versions not stated): TOPMed below 0.00001; gnomAD exomes 0.00001; ExAC 0.00005.

Submissions (3):

Fulgent Genetics
Classification: Likely pathogenic for Hemochromatosis type 3. Last evaluated: 2024-06-10. Review status: criteria provided, single submitter. Criteria: ACMG Guidelines, 2015. Collection method: clinical testing. Allele origin: germline.

Labcorp Genetics (formerly Invitae), Labcorp
Classification: Pathogenic for Hereditary hemochromatosis. Last evaluated: 2023-11-15. Review status: criteria provided, single submitter. Criteria: Invitae Variant Classification Sherloc (09022015). Collection method: clinical testing. Allele origin: germline.
Comment: This sequence change creates a premature translational stop signal (p.Ile710Alafs*80) in the TFR2 gene. While this is not anticipated to result in nonsense mediated decay, it is expected to disrupt the last 92 amino acid(s) of the TFR2 protein. This variant is present in population databases (rs765525417, gnomAD 0.002%). This variant has not been reported in the literature in individuals affected with TFR2-related conditions. ClinVar contains an entry for this variant (Variation ID: 961267). This variant disrupts a region of the TFR2 protein in which other variant(s) (p.Trp781*, p.Gly792Arg, p.Phe729Valfs*63) have been determined to be pathogenic (PMID: 16424658, 23600741, 26029709). This suggests that this is a clinically significant region of the protein, and that variants that disrupt it are likely to be disease-causing. For these reasons, this variant has been classified as Pathogenic.

Baylor Genetics
Classification: Likely pathogenic for Hemochromatosis type 3. Last evaluated: 2022-07-06. Review status: criteria provided, single submitter. Criteria: ACMG Guidelines, 2015. Collection method: clinical testing. Allele origin: unknown.

Literature cited by the submitters: PubMed 16424658 (cited by Labcorp Genetics (formerly Invitae), Labcorp); PubMed 23600741 (cited by Labcorp Genetics (formerly Invitae), Labcorp); PubMed 26029709 (cited by Labcorp Genetics (formerly Invitae), Labcorp).

NM_003227.4(TFR2):c.2128_2132del (p.Ile710fs)

Genes: TFR2 (transferrin receptor 2; minus strand), LOC113687175 (Sharpr-MPRA regulatory region 4647; plus strand). Cytogenetic location: 7q22.1.
Variant type: Deletion.
Coding change: c.2128_2132del on transcript NM_003227.4 (MANE Select); coding-DNA positions 2128 to 2132, 5 bases deleted (ATAAT; older notation c.2128_2132delATAAT).
Protein change: p.Ile710fs; shifts the reading frame from isoleucine 710.
Molecular consequence: frameshift variant.
Genome position (GRCh38, 1-based): chr7:100,626,767-100,626,771, ATTAT deleted on the plus strand (ATAAT on the coding strand, the reverse complement: TFR2 is on the minus strand). VCF-style (leftmost placement, unchanged base first): chr7-100626766-CATTAT-C. GRCh37 (hg19) VCF-style: chr7-100224389-CATTAT-C.
Other names: c.1615_1619del, p.Ile539fs (NM_001206855.3); short protein forms I710fs, I539fs.
Identifiers: ClinVar variation 961267 (VCV000961267.12), dbSNP rs765525417, ClinGen allele CA4386212.
Genomic context (GRCh38, chr7:100,626,766, plus strand): 5'-GGAGCCCCAGGGGAGGGGCGGGACACTGGGGGCGGGGCGAGGAGGGCGGGGCCTCACCCG[CATTAT>C]GCGCACGTTGTACATGCGTGTCAGTCGCTCGTCTCTCTCCTCCGAGCTGTAGATCTCCTG-3'